The following is an entry in ClinVar:

ClinVar aggregate classification (germline): Uncertain significance. Review status: criteria provided, multiple submitters, no conflicts (2 of 4 stars). 3 submissions from 3 submitters: Uncertain significance (3). Last evaluated 2025-10-18.

Conditions:
Inborn genetic diseases. Identifiers: MedGen C0950123, MeSH D030342.

Allele frequency attached by ClinVar (database versions not stated): gnomAD exomes 0.00002 and 0.00005; TOPMed 0.00003; ExAC 0.00002; ESP Exome Variant Server 0.00008; gnomAD 0.00002.
gnomAD v4.1: 71 of 1,611,854 alleles (0.0044%); highest among the groups gnomAD compares: Non-Finnish European, 0.006%; no homozygotes.

Submissions (3):

Ambry Genetics
Classification: Uncertain significance for Inborn genetic diseases. Last evaluated: 2025-10-18. Review status: criteria provided, single submitter. Criteria: Ambry Variant Classification Scheme 2023. Collection method: clinical testing. Allele origin: germline.

Labcorp Genetics (formerly Invitae), Labcorp
Classification: Uncertain significance. Last evaluated: 2022-06-22. Review status: criteria provided, single submitter. Criteria: Invitae Variant Classification Sherloc (09022015). Collection method: clinical testing. Allele origin: germline.
Comment: This sequence change replaces serine, which is neutral and polar, with glycine, which is neutral and non-polar, at codon 1534 of the C2CD3 protein (p.Ser1534Gly). This variant is present in population databases (rs139881411, gnomAD 0.004%). This variant has not been reported in the literature in individuals affected with C2CD3-related conditions. ClinVar contains an entry for this variant (Variation ID: 382345). Algorithms developed to predict the effect of missense changes on protein structure and function (SIFT, PolyPhen-2, Align-GVGD) all suggest that this variant is likely to be tolerated. In summary, the available evidence is currently insufficient to determine the role of this variant in disease. Therefore, it has been classified as a Variant of Uncertain Significance.

GeneDx
Classification: Uncertain significance. Last evaluated: 2016-01-15. Review status: criteria provided, single submitter. Criteria: GeneDx Variant Classification (06012015). Collection method: clinical testing. Allele origin: germline. Affected: yes.
Comment: The S1534G variant in the C2CD3 gene has not been reported previously as a pathogenic variant, nor as a benign variant, to our knowledge. The S1534G variant was not observed at any significant frequency in approximately 6500 individuals of European and African American ancestry in the NHLBI Exome Sequencing Project, indicating it is not a common benign variant in these populations. The S1534G variant is a non-conservative amino acid substitution, which is likely to impact secondary protein structure as these residues differ in polarity, charge, size and/or other properties. This substitution occurs at a position that is conserved in mammals. In silico analysis is inconsistent in its predictions as to whether or not the variant is damaging to the protein structure/function. Therefore, we interpret S1534G as a variant of uncertain significance.

NM_001286577.2(C2CD3):c.4600A>G (p.Ser1534Gly)

Gene: C2CD3 (C2 domain containing 3 centriole elongation regulator; minus strand). Cytogenetic location: 11q13.4.
Variant type: single nucleotide variant.
Coding change: c.4600A>G on transcript NM_001286577.2 (MANE Select); coding-DNA position 4600, A replaced by G.
Protein change: p.Ser1534Gly; replaces serine 1534 with glycine.
Molecular consequence: missense variant.
Genome position (GRCh38, 1-based): chr11:74,078,118, T>C on the plus strand (A>G on the coding strand, the complement: C2CD3 is on the minus strand). VCF-style: chr11-74078118-T-C. GRCh37 (hg19) VCF-style: chr11-73789163-T-C.
Other names: c.4600A>G (NM_015531.4); c.4600A>G, p.Ser1534Gly (NM_015531.6); short protein forms S1534G.
Identifiers: ClinVar variation 382345 (VCV000382345.5), dbSNP rs139881411, ClinGen allele CA6182116.
Genomic context (GRCh38, chr11:74,078,118, plus strand): 5'-TGTTTGACACAGAGCAGGTGCTCAAACTACAAGAGTTGAATCAGGCTCCTCACTTACCAC[T>C]GACAGTTAGCGTCCTCGCTGACCTCTCCCCAAGTCTGGCCAGGTCCACATAGGCTGAGCC-3'
Protein context (NP_001273506.1, residues 1524-1544): GERSARTLTV[Ser1534Gly]GVYPLFGRNA